The following is an entry in ClinVar:

ClinVar aggregate classification (germline): Pathogenic. Review status: criteria provided, multiple submitters, no conflicts (2 of 4 stars). 2 submissions from 2 submitters: Pathogenic (2). Last evaluated 2025-05-14.

Conditions:
Hereditary cancer-predisposing syndrome. Also called: Neoplastic Syndromes, Hereditary; Tumor predisposition; Hereditary Cancer Syndrome; Hereditary neoplastic syndrome. Identifiers: Orphanet 140162, MedGen C0027672, MeSH D009386, MONDO:0015356.
Tuberous sclerosis 2 (TSC2). Identifiers: Orphanet 805, MedGen C1860707, MONDO:0013199, OMIM 613254.

Submissions (2):

Labcorp Genetics (formerly Invitae), Labcorp
Classification: Pathogenic for Tuberous sclerosis 2. Last evaluated: 2025-05-14. Review status: criteria provided, single submitter. Criteria: Invitae Variant Classification Sherloc (09022015). Collection method: clinical testing. Allele origin: germline.
Comment: This sequence change creates a premature translational stop signal (p.Ser1530*) in the TSC2 gene. It is expected to result in an absent or disrupted protein product. Loss-of-function variants in TSC2 are known to be pathogenic (PMID: 10205261, 17304050). This variant is not present in population databases (gnomAD no frequency). This premature translational stop signal has been observed in individual(s) with tuberous sclerosis complex (PMID: 19254590). ClinVar contains an entry for this variant (Variation ID: 1741685). Algorithms developed to predict the effect of sequence changes on RNA splicing suggest that this variant may disrupt the consensus splice site. For these reasons, this variant has been classified as Pathogenic.

Ambry Genetics
Classification: Pathogenic for Hereditary cancer-predisposing syndrome. Last evaluated: 2022-05-06. Review status: criteria provided, single submitter. Criteria: Ambry Variant Classification Scheme 2023. Collection method: clinical testing. Allele origin: germline.
Comment: The p.S1530* pathogenic mutation (also known as c.4589C>A), located in coding exon 35 of the TSC2 gene, results from a C to A substitution at nucleotide position 4589. This changes the amino acid from a serine to a stop codon within coding exon 35. This variant is considered to be rare based on population cohorts in the Genome Aggregation Database (gnomAD). This alteration is expected to result in loss of function by premature protein truncation or nonsense-mediated mRNA decay. As such, this alteration is interpreted as a disease-causing mutation.

Literature cited by the submitters: PubMed 10205261 (cited by Labcorp Genetics (formerly Invitae), Labcorp); PubMed 17304050 (cited by Labcorp Genetics (formerly Invitae), Labcorp); PubMed 19254590 (cited by Labcorp Genetics (formerly Invitae), Labcorp).

NM_000548.5(TSC2):c.4589C>A (p.Ser1530Ter)

Gene: TSC2 (TSC complex subunit 2; plus strand). Cytogenetic location: 16p13.3.
Variant type: single nucleotide variant.
Coding change: c.4589C>A on transcript NM_000548.5 (MANE Select); coding-DNA position 4589, C replaced by A.
Protein change: p.Ser1530Ter; replaces serine 1530 with a stop codon.
Molecular consequence: nonsense.
Genome position (GRCh38, 1-based): chr16:2,085,249, C>A. VCF-style: chr16-2085249-C-A. GRCh37 (hg19) VCF-style: chr16-2135250-C-A.
Other names: c.4388C>A, p.Ser1463Ter (NM_001077183.3); c.4520C>A, p.Ser1507Ter (NM_001114382.3); c.4280C>A, p.Ser1427Ter (NM_001318827.2); c.4244C>A, p.Ser1415Ter (NM_001318829.2); c.3857C>A, p.Ser1286Ter (NM_001318831.2); c.4421C>A, p.Ser1474Ter (NM_001318832.2); c.4391C>A, p.Ser1464Ter (NM_001363528.2); c.4457C>A, p.Ser1486Ter (NM_001370404.1); and 26 more; short protein forms S1015*, S1016*, S1039*, S1059*, S1307*, S1426*, S1427*, S1458*.
Identifiers: ClinVar variation 1741685 (VCV001741685.3), dbSNP rs1567528487, ClinGen allele CA394304466.
Genomic context (GRCh38, chr16:2,085,249, plus strand): 5'-GACGGGCGTCTGGGGCTCAGGCAGGGCTCTGTGTGCCACAGTCACAGTCCTTTGAGCGGT[C>A]GGTGCAGCTCCTCGACCAGATCCCATCATACGACACCCACAAGATCGCCGTCCTGTATGT-3'